The following is an entry in ClinVar:

ClinVar aggregate classification (germline): Uncertain significance (1 of 4 stars; one submission).

Submission:

CeGaT Center for Human Genetics Tuebingen
Classification: Uncertain significance. Last evaluated: 2025-09-01. Review status: criteria provided, single submitter. Criteria: CeGaT Center For Human Genetics Tuebingen Variant Classification Criteria Version 2. Collection method: clinical testing. Allele origin: germline. Affected: yes. Observed: 1 variant allele.
Comment: GCDH: PM2

NM_000159.4(GCDH):c.14G>A (p.Gly5Asp)

Genes: GCDH (glutaryl-CoA dehydrogenase; plus strand), LOC117125594 (CRISPRi-FlowFISH-validated KLF1 regulatory element; plus strand). Cytogenetic location: 19p13.13.
Variant type: single nucleotide variant.
Coding change: c.14G>A on transcript NM_000159.4 (MANE Select); coding-DNA position 14, G replaced by A.
Protein change: p.Gly5Asp; replaces glycine 5 with aspartic acid.
Molecular consequence: missense variant. On other transcripts: non-coding transcript variant (2).
Genome position (GRCh38, 1-based): chr19:12,891,318, G>A. VCF-style: chr19-12891318-G-A. GRCh37 (hg19) VCF-style: chr19-13002132-G-A.
Other names: c.14G>A, p.Gly5Asp (NM_013976.5); short protein forms G5D.
Identifiers: ClinVar variation 4281211 (VCV004281211.7).